The following is an entry in ClinVar:

NM_005559.4(LAMA1):c.2186G>A (p.Arg729His)

Gene: LAMA1 (laminin subunit alpha 1; minus strand). Cytogenetic location: 18p11.31.
Variant type: single nucleotide variant.
Coding change: c.2186G>A on transcript NM_005559.4 (MANE Select); coding-DNA position 2186, G replaced by A.
Protein change: p.Arg729His; replaces arginine 729 with histidine.
Molecular consequence: missense variant.
Genome position (GRCh38, 1-based): chr18:7,032,154, C>T on the plus strand (G>A on the coding strand, the complement: LAMA1 is on the minus strand). VCF-style: chr18-7032154-C-T. GRCh37 (hg19) VCF-style: chr18-7032153-C-T.
Other names: p.Arg729His; short protein forms R729H.
Identifiers: ClinVar variation 708466 (VCV000708466.41), dbSNP rs144429570, ClinGen allele CA8882727.

ClinVar aggregate classification (germline): Benign/Likely benign. Review status: criteria provided, multiple submitters, no conflicts (2 of 4 stars). 8 submissions from 8 submitters: Benign (3); Likely benign (2). 3 of the submissions do not count toward it. Last evaluated 2026-01-15.

Conditions:
LAMA1-related disorder. Also called: LAMA1-related disorders; LAMA1-related condition.

Allele frequency attached by ClinVar (database versions not stated): 1000 Genomes Project 30x 0.00109; 1000 Genomes Project 0.00120; TOPMed 0.00158; gnomAD 0.00214 and 0.00222; ExAC 0.00260; gnomAD exomes 0.00275 and 0.00233; ESP Exome Variant Server 0.00246.
gnomAD v4.1: 4,291 of 1,613,894 alleles (0.27%); highest among the groups gnomAD compares: Non-Finnish European, 0.3%; 7 homozygotes.

Submissions (8):

Labcorp Genetics (formerly Invitae), Labcorp
Classification: Benign. Last evaluated: 2026-01-15. Review status: criteria provided, single submitter. Criteria: Invitae Variant Classification Sherloc (09022015). Collection method: clinical testing. Allele origin: germline.

CeGaT Center for Human Genetics Tuebingen
Classification: Likely benign. Last evaluated: 2025-12-01. Review status: criteria provided, single submitter. Criteria: CeGaT Center For Human Genetics Tuebingen Variant Classification Criteria Version 2. Collection method: clinical testing. Allele origin: germline. Affected: yes. Observed: 3 variant alleles.
Comment: LAMA1: BS2

Mayo Clinic Laboratories, Mayo Clinic
Classification: Benign. Last evaluated: 2025-05-02. Review status: criteria provided, single submitter. Criteria: ACMG Guidelines, 2015. Collection method: clinical testing. Allele origin: germline. Observed: 1 variant allele.
Comment: BS1, BS2

Blueprint Genetics
Classification: Likely benign. Last evaluated: 2024-11-13. Review status: criteria provided, single submitter. Criteria: ACMG Guidelines, 2015. Collection method: clinical testing. Allele origin: germline.

Breakthrough Genomics
Classification: Benign. Review status: criteria provided, single submitter. Criteria: ACMG Guidelines, 2015. Collection method: not provided. Allele origin: germline. Inheritance: Autosomal recessive inheritance. Affected: yes.

PreventionGenetics, part of Exact Sciences
Classification: Benign for LAMA1-related condition. Last evaluated: 2020-02-26. Review status: no assertion criteria provided. Collection method: clinical testing. Allele origin: germline. Not counted in ClinVar's aggregate classification.
Comment: This variant is classified as benign based on ACMG/AMP sequence variant interpretation guidelines (Richards et al. 2015 PMID: 25741868, with internal and published modifications).

Clinical Genetics DNA and cytogenetics Diagnostics Lab, Erasmus MC, Erasmus Medical Center
Classification: Likely benign. Review status: no assertion criteria provided. Collection method: clinical testing. Allele origin: germline. Affected: yes. Study: VKGL Data-share Consensus. Not counted in ClinVar's aggregate classification.

Laboratory of Diagnostic Genome Analysis, Leiden University Medical Center (LUMC)
Classification: Likely benign. Review status: no assertion criteria provided. Collection method: clinical testing. Allele origin: germline. Affected: yes. Study: VKGL Data-share Consensus. Not counted in ClinVar's aggregate classification.